The following is an entry in ClinVar:

NM_000059.4(BRCA2):c.4637T>C (p.Phe1546Ser)

Gene: BRCA2 (BRCA2 DNA repair associated; plus strand). Cytogenetic location: 13q13.1.
Variant type: single nucleotide variant.
Coding change: c.4637T>C on transcript NM_000059.4 (MANE Select); coding-DNA position 4637, T replaced by C.
Protein change: p.Phe1546Ser; replaces phenylalanine 1546 with serine.
Molecular consequence: missense variant.
Genome position (GRCh38, 1-based): chr13:32,338,992, T>C. VCF-style: chr13-32338992-T-C. GRCh37 (hg19) VCF-style: chr13-32913129-T-C.
Other names: 4865T>C; short protein forms F1546S.
Identifiers: ClinVar variation 37914 (VCV000037914.26), dbSNP rs397507337, ClinGen allele CA020566.
Genomic context (GRCh38, chr13:32,338,992, plus strand): 5'-CAGCTAGCGGGAAAAAAGTTAAAATTGCAAAGGAATCTTTGGACAAAGTGAAAAACCTTT[T>C]TGATGAAAAAGAGCAAGGTACTAGTGAAATCACCAGTTTTAGCCATCAATGGGCAAAGAC-3'
Protein context (NP_000050.3, residues 1536-1556): KESLDKVKNL[Phe1546Ser]DEKEQGTSEI

ClinVar aggregate classification (germline): Conflicting classifications of pathogenicity. Review status: criteria provided, conflicting classifications (1 of 4 stars). 7 submissions from 7 submitters: Uncertain significance (5); Likely benign (1). 1 of the submissions does not count toward it. Last evaluated 2025-03-31.

Conditions:
Hereditary breast ovarian cancer syndrome. Also called: Hereditary breast and ovarian cancer; Hereditary breast and ovarian cancer syndrome (HBOC); Hereditary breast and ovarian cancer syndrome; Breast and ovarian cancer; Hereditary breast and/or ovarian cancer syndrome; BRCA1- and BRCA2-Associated Hereditary Breast and Ovarian Cancer. Identifiers: Orphanet 145, MedGen C0677776, MeSH D061325, MONDO:0003582. Disease mechanism: loss of function.
Hereditary cancer-predisposing syndrome. Also called: Neoplastic Syndromes, Hereditary; Hereditary neoplastic syndrome; Tumor predisposition; Hereditary Cancer Syndrome. Identifiers: Orphanet 140162, MedGen C0027672, MeSH D009386, MONDO:0015356.
Breast-ovarian cancer, familial, susceptibility to, 2 (BROVCA2). Also called: BRCA2 Hereditary Breast and Ovarian Cancer. Identifiers: Orphanet 145, MedGen C2675520, MONDO:0012933, OMIM 612555. Disease mechanism: loss of function.

Allele frequency attached by ClinVar (database versions not stated): gnomAD exomes below 0.00001.
gnomAD v4.1: 3 of 1,613,426 alleles (0.00019%); highest among the groups gnomAD compares: Non-Finnish European, 0.00025%; no homozygotes.

Submissions (7):

GeneDx
Classification: Uncertain significance. Last evaluated: 2025-03-31. Review status: criteria provided, single submitter. Criteria: GeneDx Variant Classification Process June 2021. Collection method: clinical testing. Allele origin: germline.
Comment: Not observed at significant frequency in large population cohorts (gnomAD); In silico analysis supports that this missense variant has a deleterious effect on protein structure/function; Has not been previously published as pathogenic or benign to our knowledge; Also known as 4865T>C; This variant is associated with the following publications: (PMID: 9002670, 22193408, 35325018)

Ambry Genetics
Classification: Uncertain significance for Hereditary cancer-predisposing syndrome. Last evaluated: 2025-03-17. Review status: criteria provided, single submitter. Criteria: Ambry Variant Classification Scheme 2023. Collection method: clinical testing. Allele origin: germline.
Comment: The p.F1546S variant (also known as c.4637T>C), located in coding exon 10 of the BRCA2 gene, results from a T to C substitution at nucleotide position 4637. The phenylalanine at codon 1546 is replaced by serine, an amino acid with highly dissimilar properties. This amino acid position is highly conserved in available vertebrate species. In addition, this alteration is predicted to be deleterious by in silico analysis. Since supporting evidence is limited at this time, the clinical significance of this alteration remains unclear.

Labcorp Genetics (formerly Invitae), Labcorp
Classification: Uncertain significance for Hereditary breast ovarian cancer syndrome. Last evaluated: 2024-05-08. Review status: criteria provided, single submitter. Criteria: Invitae Variant Classification Sherloc (09022015). Collection method: clinical testing. Allele origin: germline.
Comment: This sequence change replaces phenylalanine, which is neutral and non-polar, with serine, which is neutral and polar, at codon 1546 of the BRCA2 protein (p.Phe1546Ser). This variant is not present in population databases (gnomAD no frequency). This variant has not been reported in the literature in individuals affected with BRCA2-related conditions. ClinVar contains an entry for this variant (Variation ID: 37914). Advanced modeling of protein sequence and biophysical properties (such as structural, functional, and spatial information, amino acid conservation, physicochemical variation, residue mobility, and thermodynamic stability) performed at Invitae indicates that this missense variant is not expected to disrupt BRCA2 protein function with a negative predictive value of 95%. In summary, the available evidence is currently insufficient to determine the role of this variant in disease. Therefore, it has been classified as a Variant of Uncertain Significance.

St. Jude Molecular Pathology, St. Jude Children's Research Hospital
Classification: Uncertain significance for Breast-ovarian cancer, familial, susceptibility to, 2. Last evaluated: 2023-11-28. Review status: criteria provided, single submitter. Criteria: St. Jude Assertion Criteria 2020. Collection method: clinical testing. Allele origin: germline.
Comment: The BRCA2 c.4637T>C (p.Phe1546Ser) missense change is absent in gnomAD v2.1.1. The in silico tool REVEL predicts a deleterious effect on protein function, but this prediction has not been confirmed by functional studies. This variant has not been reported in individuals with BRCA2-related disease. In summary, the evidence currently available is insufficient to determine the clinical significance of this variant. It has therefore been classified as of uncertain significance.

University of Washington Department of Laboratory Medicine, University of Washington
Classification: Likely benign for Hereditary cancer-predisposing syndrome. Last evaluated: 2023-03-23. Review status: criteria provided, single submitter. Criteria: Dines et al. (Genet Med. 2020). Collection method: curation. Allele origin: germline.
Comment: Missense variant in a coldspot region where missense variants are very unlikely to be pathogenic (PMID:31911673).

BRCA2 exon 11 coldspot. Reclassification based on statistical prior probability.

Color Diagnostics, LLC DBA Color Health
Classification: Uncertain significance for Hereditary cancer-predisposing syndrome. Last evaluated: 2019-03-08. Review status: criteria provided, single submitter. Criteria: ACMG Guidelines, 2015. Collection method: clinical testing. Allele origin: germline.

Sharing Clinical Reports Project (SCRP)
Classification: Uncertain significance for Breast-ovarian cancer, familial 2. Last evaluated: 2008-12-23. Review status: no assertion criteria provided. Collection method: clinical testing. Allele origin: germline. Not counted in ClinVar's aggregate classification.